The following is an entry in ClinVar:

ClinVar aggregate classification (germline): Benign/Likely benign. Review status: criteria provided, multiple submitters, no conflicts (2 of 4 stars). 3 submissions from 3 submitters: Benign (1); Likely benign (2). Last evaluated 2026-01-19.

Conditions:
Joubert syndrome. Also called: Familial aplasia of the vermis; JOUBERT-BOLTSHAUSER SYNDROME. Identifiers: Orphanet 475, MedGen C5979921, MONDO:0018772.

Allele frequency attached by ClinVar (database versions not stated): gnomAD exomes 0.00032; ExAC 0.00081; ESP Exome Variant Server 0.00082; gnomAD 0.00125; TOPMed 0.00129; 1000 Genomes Project 30x 0.00187; 1000 Genomes Project 0.00339.
gnomAD v4.1: 284 of 1,410,570 alleles (0.02%); highest among the groups gnomAD compares: African/African-American, 0.4%; 1 homozygote.

Submissions (3):

Labcorp Genetics (formerly Invitae), Labcorp
Classification: Benign for Joubert syndrome. Last evaluated: 2026-01-19. Review status: criteria provided, single submitter. Criteria: Invitae Variant Classification Sherloc (09022015). Collection method: clinical testing. Allele origin: germline.

Blueprint Genetics
Classification: Likely benign. Last evaluated: 2024-05-08. Review status: criteria provided, single submitter. Criteria: ACMG Guidelines, 2015. Collection method: clinical testing. Allele origin: germline.

GeneDx
Classification: Likely benign. Last evaluated: 2017-01-24. Review status: criteria provided, single submitter. Criteria: GeneDx Variant Classification (06012015). Collection method: clinical testing. Allele origin: germline. Affected: yes.
Comment: This variant is considered likely benign or benign based on one or more of the following criteria: it is a conservative change, it occurs at a poorly conserved position in the protein, it is predicted to be benign by multiple in silico algorithms, and/or has population frequency not consistent with disease.

NM_019892.6(INPP5E):c.120C>T (p.Pro40=)

Gene: INPP5E (inositol polyphosphate-5-phosphatase E; minus strand). Cytogenetic location: 9q34.3.
Variant type: single nucleotide variant.
Coding change: c.120C>T on transcript NM_019892.6 (MANE Select); coding-DNA position 120, C replaced by T.
Protein change: p.Pro40=; no amino-acid change (proline 40 retained).
Molecular consequence: synonymous variant.
Genome position (GRCh38, 1-based): chr9:136,439,300, G>A on the plus strand (C>T on the coding strand, the complement: INPP5E is on the minus strand). VCF-style: chr9-136439300-G-A. GRCh37 (hg19) VCF-style: chr9-139333752-G-A.
Other names: c.120C>T, p.Pro40= (NM_001318502.2).
Identifiers: ClinVar variation 506853 (VCV000506853.13), dbSNP rs377154166, ClinGen allele CA5337209.